The following is an entry in ClinVar:

NM_005228.5(EGFR):c.976T>C (p.Cys326Arg)

Gene: EGFR (epidermal growth factor receptor; plus strand). Cytogenetic location: 7p11.2.
Variant type: single nucleotide variant.
Coding change: c.976T>C on transcript NM_005228.5 (MANE Select); coding-DNA position 976, T replaced by C.
Protein change: p.Cys326Arg; replaces cysteine 326 with arginine.
Molecular consequence: missense variant.
Genome position (GRCh38, 1-based): chr7:55,155,916, T>C. VCF-style: chr7-55155916-T-C. GRCh37 (hg19) VCF-style: chr7-55223609-T-C.
Other names: c.841T>C, p.Cys281Arg (NM_001346897.2, NM_001346899.2); c.976T>C, p.Cys326Arg (NM_001346898.2, NM_201282.2, NM_201283.2 and 1 more transcripts); c.817T>C, p.Cys273Arg (NM_001346900.2); c.175T>C, p.Cys59Arg (NM_001346941.2); short protein forms C273R, C281R, C326R, C59R.
Identifiers: ClinVar variation 2855438 (VCV002855438.3), dbSNP rs2128937542, ClinGen allele CA367578102.
Genomic context (GRCh38, chr7:55,155,916, plus strand): 5'-TCGTGCGTCCGAGCCTGTGGGGCCGACAGCTATGAGATGGAGGAAGACGGCGTCCGCAAG[T>C]GTAAGAAGTGCGAAGGGCCTTGCCGCAAAGGTAGGAAGCCCGCCGGTGTGCGGACGAGGC-3'
Protein context (NP_005219.2, residues 316-336): YEMEEDGVRK[Cys326Arg]KKCEGPCRKV

ClinVar aggregate classification (germline): Uncertain significance (1 of 4 stars; one submission).

Conditions:
EGFR-related lung cancer (EGFR). Identifiers: MedGen CN130014.

Submission:

Labcorp Genetics (formerly Invitae), Labcorp
Classification: Uncertain significance for EGFR-related lung cancer. Last evaluated: 2023-04-12. Review status: criteria provided, single submitter. Criteria: Invitae Variant Classification Sherloc (09022015). Collection method: clinical testing. Allele origin: germline.
Comment: This variant is not present in population databases (gnomAD no frequency). In summary, the available evidence is currently insufficient to determine the role of this variant in disease. Therefore, it has been classified as a Variant of Uncertain Significance. Advanced modeling of protein sequence and biophysical properties (such as structural, functional, and spatial information, amino acid conservation, physicochemical variation, residue mobility, and thermodynamic stability) performed at Invitae indicates that this missense variant is expected to disrupt EGFR protein function. This variant has not been reported in the literature in individuals affected with EGFR-related conditions. This sequence change replaces cysteine, which is neutral and slightly polar, with arginine, which is basic and polar, at codon 326 of the EGFR protein (p.Cys326Arg).